The following is an entry in ClinVar:

NM_000238.4(KCNH2):c.2075C>T (p.Pro692Leu)

Gene: KCNH2 (potassium voltage-gated channel subfamily H member 2; minus strand). Cytogenetic location: 7q36.1.
Variant type: single nucleotide variant.
Coding change: c.2075C>T on transcript NM_000238.4 (MANE Select); coding-DNA position 2075, C replaced by T.
Protein change: p.Pro692Leu; replaces proline 692 with leucine.
Molecular consequence: missense variant. On other transcripts: non-coding transcript variant (2).
Genome position (GRCh38, 1-based): chr7:150,950,991, G>A on the plus strand (C>T on the coding strand, the complement: KCNH2 is on the minus strand). VCF-style: chr7-150950991-G-A. GRCh37 (hg19) VCF-style: chr7-150648079-G-A.
Other names: c.1055C>T, p.Pro352Leu (NM_001204798.2, NM_172057.3); c.1787C>T, p.Pro596Leu (NM_001406753.1, NM_001406756.1); c.1898C>T, p.Pro633Leu (NM_001406755.1); c.1775C>T, p.Pro592Leu (NM_001406757.1); c.2075C>T, p.Pro692Leu (NM_172056.3); short protein forms P352L, P592L, P596L, P633L, P692L.
Identifiers: ClinVar variation 3075313 (VCV003075313.1), dbSNP rs2486030937, ClinGen allele CA369857511.

ClinVar aggregate classification (germline): Uncertain significance (1 of 4 stars; one submission).

Conditions:
Long QT syndrome (LQTS). Identifiers: MedGen C0023976, MeSH D008133, MONDO:0002442. Disease mechanism: loss of function. Inheritance: Various modes of inheritance.

Submission:

All of Us Research Program, National Institutes of Health
Classification: Uncertain significance for Long QT syndrome. Last evaluated: 2024-01-11. Review status: criteria provided, single submitter. Criteria: ACMG Guidelines, 2015. Collection method: clinical testing. Allele origin: germline. Inheritance: Autosomal dominant inheritance. Observed: 1 variant allele, 1 heterozygote.
Comment: This study involves interpretation of variants in research participants for the purpose of population health screening. Participant phenotype was not available at the time of variant classification. Additional details can be found in publication PMID: 35346344, PMCID: PMC8962531